The following is an entry in ClinVar:

NM_001290208.3(ZNF717):c.1228C>G (p.Leu410Val)

Gene: ZNF717 (zinc finger protein 717; minus strand). Cytogenetic location: 3p12.3.
Variant type: single nucleotide variant.
Coding change: c.1228C>G on transcript NM_001290208.3 (MANE Select); coding-DNA position 1228, C replaced by G.
Protein change: p.Leu410Val; replaces leucine 410 with valine.
Molecular consequence: missense variant. On other transcripts: intron variant (3).
Genome position (GRCh38, 1-based): chr3:75,738,395, G>C on the plus strand (C>G on the coding strand, the complement: ZNF717 is on the minus strand). VCF-style: chr3-75738395-G-C. GRCh37 (hg19) VCF-style: chr3-75787546-G-C.
Other names: c.1228C>G, p.Leu410Val (NM_001128223.3, NM_001324027.1); c.1078C>G, p.Leu360Val (NM_001290209.3); c.277+2881C>G (NM_001290210.2, NM_001324026.2); c.256+2881C>G (NM_001324028.1); short protein forms L410V, L360V.
Identifiers: ClinVar variation 161523 (VCV000161523.3), dbSNP rs193921040, ClinGen allele CA174262.
Genomic context (GRCh38, chr3:75,738,395, plus strand): 5'-CTTCACAATGGTCACATGCATAGGGCTTTTCCCCTGTGTGAGTTCTATGATGTATTGTGA[G>C]GTATGACTTCTGGCTAAAGGTTTTTCCACATTCACTACACTGATAGGGCTTTTCCCCTGA-3'
Protein context (NP_001277137.1, residues 400-420): CGKTFSQKSY[Leu410Val]TIHHRTHTGE

ClinVar aggregate classification (germline): Uncertain significance. Review status: criteria provided, single submitter (1 of 4 stars). 2 submissions from 2 submitters: Uncertain significance (1). 1 of the submissions does not count toward it.

Conditions:
Prostate cancer. Also called: Malignant tumor of prostate. Identifiers: Orphanet 1331, MedGen C0376358, MONDO:0008315, HP:0012125.

Allele frequency attached by ClinVar (database versions not stated): gnomAD 0.03372 and 0.03425; gnomAD exomes 0.00004; 1000 Genomes Project 30x 0.04560.
gnomAD v4.1: 47,277 of 1,538,504 alleles (3.1%); highest among the groups gnomAD compares: South Asian, 6.7%; 326 homozygotes.

Submissions (2):

Breakthrough Genomics
Classification: Uncertain significance. Review status: criteria provided, single submitter. Criteria: ACMG Guidelines, 2015. Collection method: not provided. Allele origin: germline. Inheritance: Unknown mechanism. Affected: yes.

Science for Life laboratory,  Karolinska Institutet
Classification: Uncertain significance for Malignant tumor of prostate. Review status: no assertion criteria provided. Collection method: not provided. Allele origin: somatic. Not counted in ClinVar's aggregate classification.
Comment: TumorID:SWE-8
ClinVar note: Converted during submission from Unknown to Uncertain significance.